The following is an entry in ClinVar:

NM_005431.2(XRCC2):c.625C>A (p.Pro209Thr)

Gene: XRCC2 (X-ray repair cross complementing 2; minus strand). Cytogenetic location: 7q36.1.
Variant type: single nucleotide variant.
Coding change: c.625C>A on transcript NM_005431.2 (MANE Select); coding-DNA position 625, C replaced by A.
Protein change: p.Pro209Thr; replaces proline 209 with threonine.
Molecular consequence: missense variant.
Genome position (GRCh38, 1-based): chr7:152,648,860, G>T on the plus strand (C>A on the coding strand, the complement: XRCC2 is on the minus strand). VCF-style: chr7-152648860-G-T. GRCh37 (hg19) VCF-style: chr7-152345945-G-T.
Other names: short protein forms P209T.
Identifiers: ClinVar variation 826275 (VCV000826275.14), dbSNP rs780202744, ClinGen allele CA4582319.

ClinVar aggregate classification (germline): Conflicting classifications of pathogenicity. Review status: criteria provided, conflicting classifications (1 of 4 stars). 2 submissions from 2 submitters: Uncertain significance (1); Likely benign (1). Last evaluated 2024-08-30.

Conditions:
Hereditary cancer-predisposing syndrome. Also called: Neoplastic Syndromes, Hereditary; Tumor predisposition; Hereditary neoplastic syndrome; Hereditary Cancer Syndrome. Identifiers: Orphanet 140162, MedGen C0027672, MeSH D009386, MONDO:0015356.

Allele frequency attached by ClinVar (database versions not stated): gnomAD exomes 0.00001; TOPMed 0.00002.
gnomAD v4.1: 21 of 1,613,928 alleles (0.0013%); highest among the groups gnomAD compares: Non-Finnish European, 0.0016%; no homozygotes.

Submissions (2):

Ambry Genetics
Classification: Likely benign for Hereditary cancer-predisposing syndrome. Last evaluated: 2024-08-30. Review status: criteria provided, single submitter. Criteria: Ambry Variant Classification Scheme 2023. Collection method: clinical testing. Allele origin: germline.

Labcorp Genetics (formerly Invitae), Labcorp
Classification: Uncertain significance. Last evaluated: 2017-01-02. Review status: criteria provided, single submitter. Criteria: Invitae Variant Classification Sherloc (09022015). Collection method: clinical testing. Allele origin: germline.
Comment: In summary, this variant is a rare missense change that is not predicted to affect protein function. There is no indication that it causes disease, but the available evidence is currently insufficient to prove that conclusively. Therefore, it has been classified as a Variant of Uncertain Significance. Algorithms developed to predict the effect of missense changes on protein structure and function (SIFT, PolyPhen-2, Align-GVGD) all suggest that this variant is likely to be tolerated, but these predictions have not been confirmed by published functional studies. This variant is present in population databases (rs780202744, ExAC 0.001%) but has not been reported in the literature in individuals with an XRCC2-related disease. This sequence change replaces proline with threonine at codon 209 of the XRCC2 protein (p.Pro209Thr). The proline residue is moderately conserved and there is a small physicochemical difference between proline and threonine.

Literature cited by the submitters: PubMed 28779002 (cited by Ambry Genetics).